The following is an entry in ClinVar:

ClinVar aggregate classification (germline): Likely benign. Review status: criteria provided, multiple submitters, no conflicts (2 of 4 stars). 3 submissions from 3 submitters: Likely benign (3). Last evaluated 2025-08-17.

Conditions:
VCL-related disorder. Also called: VCL-related condition.
Cardiovascular phenotype. Identifiers: MedGen CN230736.

Allele frequency attached by ClinVar (database versions not stated): gnomAD exomes 0.00002; ExAC 0.00008; TOPMed 0.00019; gnomAD 0.00021.
gnomAD v4.1: 65 of 1,614,106 alleles (0.004%); highest among the groups gnomAD compares: African/African-American, 0.077%; no homozygotes.

Submissions (3):

PreventionGenetics, part of Exact Sciences
Classification: Likely benign for VCL-related condition. Last evaluated: 2025-08-17. Review status: criteria provided, single submitter. Criteria: ACMG Guidelines, 2015. Collection method: clinical testing. Allele origin: germline.
Comment: This variant is classified as likely benign based on ACMG/AMP sequence variant interpretation guidelines (Richards et al. 2015 PMID: 25741868, with internal and published modifications).

CeGaT Center for Human Genetics Tuebingen
Classification: Likely benign. Last evaluated: 2023-10-01. Review status: criteria provided, single submitter. Criteria: CeGaT Center For Human Genetics Tuebingen Variant Classification Criteria Version 2. Collection method: clinical testing. Allele origin: germline. Affected: yes. Observed: 1 variant allele.
Comment: VCL: BP4, BP7

Ambry Genetics
Classification: Likely benign for Cardiovascular phenotype. Last evaluated: 2019-05-22. Review status: criteria provided, single submitter. Criteria: Ambry Variant Classification Scheme 2023. Collection method: clinical testing. Allele origin: germline.

NM_014000.3(VCL):c.1296A>G (p.Leu432=)

Gene: VCL (vinculin; plus strand). Cytogenetic location: 10q22.2.
Variant type: single nucleotide variant.
Coding change: c.1296A>G on transcript NM_014000.3 (MANE Select); coding-DNA position 1296, A replaced by G.
Protein change: p.Leu432=; no amino-acid change (leucine 432 retained).
Molecular consequence: synonymous variant.
Genome position (GRCh38, 1-based): chr10:74,090,142, A>G. VCF-style: chr10-74090142-A-G. GRCh37 (hg19) VCF-style: chr10-75849900-A-G.
Other names: c.1296A>G, p.Leu432= (NM_003373.4).
Identifiers: ClinVar variation 1769208 (VCV001769208.27), dbSNP rs150993814, ClinGen allele CA5562967.